The following is an entry in ClinVar:

ClinVar aggregate classification (germline): Uncertain significance (1 of 4 stars; one submission).

Conditions:
Tyrosinemia type I (TYRSN1). Also called: FAH DEFICIENCY; HEPATORENAL TYROSINEMIA; Tyrosinemia type 1; Fumarylacetoacetase deficiency; Deficiency of fumarylacetoacetase. Identifiers: Orphanet 882, MedGen C0268490, MONDO:0010161, OMIM 276700. Disease mechanism: loss of function.

Allele frequency attached by ClinVar (database versions not stated): gnomAD exomes below 0.00001; TOPMed below 0.00001; ExAC 0.00001; gnomAD 0.00001; ESP Exome Variant Server 0.00008.
gnomAD v4.1: 6 of 1,608,370 alleles (0.00037%); highest among the groups gnomAD compares: Non-Finnish European, 0.00051%; no homozygotes.

Submission:

Labcorp Genetics (formerly Invitae), Labcorp
Classification: Uncertain significance for Tyrosinemia type I. Last evaluated: 2023-10-04. Review status: criteria provided, single submitter. Criteria: Invitae Variant Classification Sherloc (09022015). Collection method: clinical testing. Allele origin: germline.
Comment: This sequence change replaces alanine, which is neutral and non-polar, with threonine, which is neutral and polar, at codon 347 of the FAH protein (p.Ala347Thr). This variant is present in population databases (rs376563006, gnomAD 0.0009%). This variant has not been reported in the literature in individuals affected with FAH-related conditions. ClinVar contains an entry for this variant (Variation ID: 1020250). Advanced modeling of protein sequence and biophysical properties (such as structural, functional, and spatial information, amino acid conservation, physicochemical variation, residue mobility, and thermodynamic stability) performed at Invitae indicates that this missense variant is not expected to disrupt FAH protein function. In summary, the available evidence is currently insufficient to determine the role of this variant in disease. Therefore, it has been classified as a Variant of Uncertain Significance.

NM_000137.4(FAH):c.1039G>A (p.Ala347Thr)

Gene: FAH (fumarylacetoacetate hydrolase; plus strand). Cytogenetic location: 15q25.1.
Variant type: single nucleotide variant.
Coding change: c.1039G>A on transcript NM_000137.4 (MANE Select); coding-DNA position 1039, G replaced by A.
Protein change: p.Ala347Thr; replaces alanine 347 with threonine.
Molecular consequence: missense variant.
Genome position (GRCh38, 1-based): chr15:80,180,202, G>A. VCF-style: chr15-80180202-G-A. GRCh37 (hg19) VCF-style: chr15-80472544-G-A.
Other names: c.1039G>A, p.Ala347Thr (NM_001374377.1, NM_001374380.1); short protein forms A347T.
Identifiers: ClinVar variation 1020250 (VCV001020250.8), dbSNP rs376563006, ClinGen allele CA7691447.